The following is an entry in ClinVar:

ClinVar aggregate classification (germline): Uncertain significance. Review status: criteria provided, multiple submitters, no conflicts (2 of 4 stars). 3 submissions from 3 submitters: Uncertain significance (3). Last evaluated 2024-06-17.

Conditions:
Vitamin D hydroxylation-deficient rickets, type 1B. Also called: Rickets due to Defect in Vitamin D 25-hydroxylation; PSEUDOVITAMIN D3 DEFICIENCY RICKETS DUE TO 25-HYDROXYLASE DEFICIENCY; VITAMIN D-DEPENDENT RICKETS, TYPE 1B. Identifiers: Orphanet 289157, MedGen C1838657, MONDO:0010810, OMIM 600081.

Allele frequency attached by ClinVar (database versions not stated): gnomAD 0.00006 and 0.00005; gnomAD exomes below 0.00001 and 0.00001; TOPMed 0.00015.
gnomAD v4.1: 12 of 1,613,472 alleles (0.00074%); highest among the groups gnomAD compares: Admixed American, 0.02%; no homozygotes.

Submissions (3):

Ambry Genetics
Classification: Uncertain significance. Last evaluated: 2024-06-17. Review status: criteria provided, single submitter. Criteria: Ambry Variant Classification Scheme 2023. Collection method: clinical testing. Allele origin: germline.

Fulgent Genetics
Classification: Uncertain significance for Vitamin D hydroxylation-deficient rickets, type 1B. Last evaluated: 2024-01-05. Review status: criteria provided, single submitter. Criteria: ACMG Guidelines, 2015. Collection method: clinical testing. Allele origin: germline.

Labcorp Genetics (formerly Invitae), Labcorp
Classification: Uncertain significance. Last evaluated: 2021-08-27. Review status: criteria provided, single submitter. Criteria: Invitae Variant Classification Sherloc (09022015). Collection method: clinical testing. Allele origin: germline.
Comment: This sequence change replaces serine with proline at codon 85 of the CYP2R1 protein (p.Ser85Pro). The serine residue is highly conserved and there is a moderate physicochemical difference between serine and proline. This variant is not present in population databases (ExAC no frequency). This variant has not been reported in the literature in individuals affected with CYP2R1-related conditions. Algorithms developed to predict the effect of missense changes on protein structure and function (SIFT, PolyPhen-2, Align-GVGD) all suggest that this variant is likely to be tolerated. In summary, the available evidence is currently insufficient to determine the role of this variant in disease. Therefore, it has been classified as a Variant of Uncertain Significance.

NM_024514.5(CYP2R1):c.253T>C (p.Ser85Pro)

Genes: CYP2R1 (cytochrome P450 family 2 subfamily R member 1; minus strand), PDE3B (phosphodiesterase 3B; plus strand). Cytogenetic location: 11p15.2.
Variant type: single nucleotide variant.
Coding change: c.253T>C on transcript NM_024514.5 (MANE Select); coding-DNA position 253, T replaced by C.
Protein change: p.Ser85Pro; replaces serine 85 with proline.
Molecular consequence: missense variant. On other transcripts: 5 prime UTR variant (4).
Genome position (GRCh38, 1-based): chr11:14,885,890, A>G on the plus strand (T>C on the coding strand, the complement: CYP2R1 is on the minus strand). VCF-style: chr11-14885890-A-G. GRCh37 (hg19) VCF-style: chr11-14907436-A-G.
Other names: c.253T>C (NM_024514.4); c.-93T>C (NM_001377214.1, NM_001377215.1, NM_001377216.1 and 1 more transcripts); c.91T>C, p.Ser31Pro (NM_001377217.1); short protein forms S31P, S85P.
Identifiers: ClinVar variation 1345679 (VCV001345679.8), dbSNP rs1000712687, ClinGen allele CA217906855.